The following is an entry in ClinVar:

ClinVar aggregate classification (germline): Uncertain significance (1 of 4 stars; one submission).

Conditions:
Catecholaminergic polymorphic ventricular tachycardia 1. Also called: VENTRICULAR TACHYCARDIA, CATECHOLAMINERGIC POLYMORPHIC, 1, WITH OR WITHOUT ATRIAL DYSFUNCTION AND/OR DILATED CARDIOMYOPATHY; RYR2-Related Catecholaminergic Polymorphic Ventricular Tachycardia; VENTRICULAR TACHYCARDIA, STRESS-INDUCED POLYMORPHIC 1. Identifiers: Orphanet 3286, MedGen C1631597, MONDO:0011484, OMIM 604772.

Allele frequency attached by ClinVar (database versions not stated): gnomAD exomes below 0.00001.

Submission:

Labcorp Genetics (formerly Invitae), Labcorp
Classification: Uncertain significance for Catecholaminergic polymorphic ventricular tachycardia 1. Last evaluated: 2021-08-05. Review status: criteria provided, single submitter. Criteria: Invitae Variant Classification Sherloc (09022015). Collection method: clinical testing. Allele origin: germline.
Comment: This sequence change replaces glutamic acid with lysine at codon 2252 of the RYR2 protein (p.Glu2252Lys). The glutamic acid residue is highly conserved and there is a small physicochemical difference between glutamic acid and lysine. In summary, the available evidence is currently insufficient to determine the role of this variant in disease. Therefore, it has been classified as a Variant of Uncertain Significance. Advanced modeling of protein sequence and biophysical properties (such as structural, functional, and spatial information, amino acid conservation, physicochemical variation, residue mobility, and thermodynamic stability) performed at Invitae indicates that this missense variant is expected to disrupt RYR2 protein function. This variant has not been reported in the literature in individuals affected with RYR2-related conditions. This variant is not present in population databases (ExAC no frequency).

NM_001035.3(RYR2):c.6754G>A (p.Glu2252Lys)

Gene: RYR2 (ryanodine receptor 2; plus strand). Cytogenetic location: 1q43.
Variant type: single nucleotide variant.
Coding change: c.6754G>A on transcript NM_001035.3 (MANE Select); coding-DNA position 6754, G replaced by A.
Protein change: p.Glu2252Lys; replaces glutamic acid 2252 with lysine.
Molecular consequence: missense variant.
Genome position (GRCh38, 1-based): chr1:237,634,954, G>A. VCF-style: chr1-237634954-G-A. GRCh37 (hg19) VCF-style: chr1-237798254-G-A.
Other names: short protein forms E2252K.
Identifiers: ClinVar variation 1475694 (VCV001475694.7), dbSNP rs1318607228, ClinGen allele CA345394758.